The following is an entry in ClinVar:

NM_001364905.1(LRBA):c.62G>C (p.Gly21Ala)

Gene: LRBA (LPS responsive beige-like anchor protein; minus strand). Cytogenetic location: 4q31.3.
Variant type: single nucleotide variant.
Coding change: c.62G>C on transcript NM_001364905.1 (MANE Select); coding-DNA position 62, G replaced by C.
Protein change: p.Gly21Ala; replaces glycine 21 with alanine.
Molecular consequence: missense variant.
Genome position (GRCh38, 1-based): chr4:151,014,581, C>G on the plus strand (G>C on the coding strand, the complement: LRBA is on the minus strand). VCF-style: chr4-151014581-C-G. GRCh37 (hg19) VCF-style: chr4-151935733-C-G.
Other names: c.62G>C, p.Gly21Ala (NM_001199282.3, NM_001367550.1, NM_006726.5); short protein forms G21A.
Identifiers: ClinVar variation 998964 (VCV000998964.8), dbSNP rs1745222833, ClinGen allele CA358611145.
Genomic context (GRCh38, chr4:151,014,581, plus strand): 5'-ATGGGGAGCCCTGGTTTCAGAGACAATGCACCCCCTTCAGTAGGGGTTTCTTCTCTCCCT[C>G]CACCTCCCCCGTCATCACCTGTTGGTGGCGGGGAAGGGACACGATTGTCTTCGCTAGCCA-3'
Protein context (NP_001351834.1, residues 11-31): PPPTGDDGGG[Gly21Ala]GREETPTEGG

ClinVar aggregate classification (germline): Uncertain significance (1 of 4 stars; one submission).

Conditions:
Combined immunodeficiency due to LRBA deficiency. Also called: Common variable immunodeficiency 8, with autoimmunity. Identifiers: Orphanet 445018, MedGen C3553512, MONDO:0013863, OMIM 614700.

Submission:

Labcorp Genetics (formerly Invitae), Labcorp
Classification: Uncertain significance for Combined immunodeficiency due to LRBA deficiency. Last evaluated: 2025-06-30. Review status: criteria provided, single submitter. Criteria: Invitae Variant Classification Sherloc (09022015). Collection method: clinical testing. Allele origin: germline.
Comment: This sequence change replaces glycine, which is neutral and non-polar, with alanine, which is neutral and non-polar, at codon 21 of the LRBA protein (p.Gly21Ala). This variant is not present in population databases (gnomAD no frequency). This variant has not been reported in the literature in individuals affected with LRBA-related conditions. ClinVar contains an entry for this variant (Variation ID: 998964). An algorithm developed to predict the effect of missense changes on protein structure and function (PolyPhen-2) suggests that this variant is likely to be disruptive. In summary, the available evidence is currently insufficient to determine the role of this variant in disease. Therefore, it has been classified as a Variant of Uncertain Significance.